The following is an entry in ClinVar:

ClinVar aggregate classification (germline): Likely pathogenic. Review status: criteria provided, multiple submitters, no conflicts (2 of 4 stars). 2 submissions from 2 submitters: Likely pathogenic (2). Last evaluated 2023-09-26.

Conditions:
Hyperinsulinemic hypoglycemia, familial, 1 (HHF1). Also called: Persistent hyperinsulinemic hypoglycemia of infancy; HYPERINSULINISM, FAMILIAL, WITH PANCREATIC NESIDIOBLASTOSIS; HYPOGLYCEMIA, HYPERINSULINEMIC, OF INFANCY; Persistent Hyperinsulinemia Hypoglycemia of Infancy; NESIDIOBLASTOSIS OF PANCREAS. Identifiers: Orphanet 276575, Orphanet 276598, MedGen C2931832, MONDO:0009734, OMIM 256450.

Submissions (2):

Women's Health and Genetics/Laboratory Corporation of America, LabCorp
Classification: Likely pathogenic for Hyperinsulinemic hypoglycemia, familial, 1. Last evaluated: 2023-09-26. Review status: criteria provided, single submitter. Criteria: LabCorp Variant Classification Summary - May 2015. Collection method: clinical testing. Allele origin: germline.
Comment: Variant summary: ABCC8 c.4153T>C (p.Ser1385Pro) results in a non-conservative amino acid change located in the ABC transporter-like, ATP-binding domain (IPR003439) of the encoded protein sequence. Five of five in-silico tools predict a damaging effect of the variant on protein function. The variant was absent in 211408 control chromosomes (gnomAD). c.4153T>C has been reported in the literature in at least two individuals affected with Dominant Congenital Hyperinsulinism, one of which was a de novo occurrence (e.g. Natarajan_2007, Pinney_2008). These data indicate that the variant is likely associated with disease. To our knowledge, no experimental evidence demonstrating an impact on protein function has been reported. The following publications have been ascertained in the context of this evaluation (PMID: 17597441, 18596924). One submitter has cited a clinical-significance assessment for this variant to ClinVar after 2014 and has classified the variant as likely pathogenic. Based on the evidence outlined above, the variant was classified as likely pathogenic.

Genetic Services Laboratory, University of Chicago
Classification: Likely pathogenic. Last evaluated: 2021-02-03. Review status: criteria provided, single submitter. Criteria: ACMG Guidelines, 2015. Collection method: clinical testing. Allele origin: germline. Affected: yes.
Comment: The p.Ser1385Pro change affects a highly conserved amino acid residue located in a domain of the ABCC8 protein that is known to be functional. The p.Ser1385Pro substitution appears to be deleterious using several in-silico pathogenicity prediction tools (SIFT, PolyPhen2, Align GVGD, REVEL). This particular amino acid change has been described in the literature in a patient with diazoxide-responsive persistent hyperinsulinemic hypoglycemia and asymptomatic diffuse cardiac hypertrophy in a de novo state (PMID: 17597441). This sequence change is absent from the large population databases such as ExAC and gnomAD (dbSNP NA).

Literature cited by the submitters: PubMed 17597441 (cited by Women's Health and Genetics/Laboratory Corporation of America, LabCorp); PubMed 18596924 (cited by Women's Health and Genetics/Laboratory Corporation of America, LabCorp).

NM_000352.6(ABCC8):c.4153T>C (p.Ser1385Pro)

Gene: ABCC8 (ATP binding cassette subfamily C member 8; minus strand). Cytogenetic location: 11p15.1.
Variant type: single nucleotide variant.
Coding change: c.4153T>C on transcript NM_000352.6 (MANE Select); coding-DNA position 4153, T replaced by C.
Protein change: p.Ser1385Pro; replaces serine 1385 with proline.
Molecular consequence: missense variant. On other transcripts: non-coding transcript variant (1).
Genome position (GRCh38, 1-based): chr11:17,395,897, A>G on the plus strand (T>C on the coding strand, the complement: ABCC8 is on the minus strand). VCF-style: chr11-17395897-A-G. GRCh37 (hg19) VCF-style: chr11-17417444-A-G.
Other names: c.4156T>C, p.Ser1386Pro (NM_001287174.3); c.4219T>C, p.Ser1407Pro (NM_001351295.2); c.4153T>C, p.Ser1385Pro (NM_001351296.2); c.4150T>C, p.Ser1384Pro (NM_001351297.2); short protein forms S1384P, S1385P, S1386P, S1407P.
Identifiers: ClinVar variation 1338614 (VCV001338614.5), dbSNP rs2133402479, ClinGen allele CA379788192.
Genomic context (GRCh38, chr11:17,395,897, plus strand): 5'-CGCCTTACAACTCACCTTCGAACGTGTCCACCATGCGGAAGAAGGCAAGAGAGAAGGAGG[A>G]CTTCCCACTGCCGGTGCGGCCGCAGATCCCGATCTGGAAAGAGAGAAGCAGGCACCGCCA-3'
Protein context (NP_000343.2, residues 1375-1395): GICGRTGSGK[Ser1385Pro]SFSLAFFRMV